The following is an entry in ClinVar:

NM_002524.5(NRAS):c.112-24dup

Gene: NRAS (NRAS proto-oncogene, GTPase; minus strand). Cytogenetic location: 1p13.2.
Variant type: Duplication.
Coding change: c.112-24dup on transcript NM_002524.5 (MANE Select); 24 bases into the intron before coding-DNA position 112, one base duplicated (C; older notation c.112-24dupC).
Molecular consequence: intron variant.
Genome position (GRCh38, 1-based): chr1:114,713,998, G duplicated on the plus strand (C on the coding strand, the reverse complement: NRAS is on the minus strand); the first of 5 consecutive G bases (chr1:114,713,998-114,714,002); duplicating any one gives the same sequence. VCF-style (leftmost placement, unchanged base first): chr1-114713997-A-AG. GRCh37 (hg19) VCF-style: chr1-115256618-A-AG.
Other names: c.112-20dupC (NM_002524.3); c.112-20dup (LRG_92t1).
Identifiers: ClinVar variation 561348 (VCV000561348.10), dbSNP rs780595451, ClinGen allele CA1020761.
Genomic context (GRCh38, chr1:114,713,997, plus strand): 5'-ACAGGTTTCACCATCTATAACCACTTGTTTTCTGTAAGAATCCTGGGGGTGTGGAGGGTA[A>AG]GGGGGCAGGGAGGGAGGGAAGTTCAATTTTTATTAAAAACCACAGGGAATGCAATGCTAT-3'

ClinVar aggregate classification (germline): Benign/Likely benign. Review status: criteria provided, multiple submitters, no conflicts (2 of 4 stars). 4 submissions from 4 submitters: Benign (2); Likely benign (2). Last evaluated 2026-01-06.

Conditions:
RASopathy. Also called: Noonan spectrum disorder; rasopathies. Identifiers: Orphanet 536391, MedGen C5555857, MONDO:0021060.

Submissions (4):

Labcorp Genetics (formerly Invitae), Labcorp
Classification: Benign for RASopathy. Last evaluated: 2026-01-06. Review status: criteria provided, single submitter. Criteria: Invitae Variant Classification Sherloc (09022015). Collection method: clinical testing. Allele origin: germline.

Blueprint Genetics
Classification: Likely benign. Last evaluated: 2024-09-30. Review status: criteria provided, single submitter. Criteria: ACMG Guidelines, 2015. Collection method: clinical testing. Allele origin: germline.

Women's Health and Genetics/Laboratory Corporation of America, LabCorp
Classification: Benign. Last evaluated: 2019-08-12. Review status: criteria provided, single submitter. Criteria: LabCorp Variant Classification Summary - May 2015. Collection method: clinical testing. Allele origin: germline.
Comment: Variant summary: NRAS c.112-20dupC alters a nucleotide located close to a canonical splice site and therefore could affect mRNA splicing, leading to a significantly altered protein sequence. 5/5 computational tools predict no significant impact on normal splicing. However, these predictions have yet to be confirmed by functional studies. The variant allele was found at a frequency of 0.00015 in 273884 control chromosomes, predominantly at a frequency of 0.00026 within the Non-Finnish European subpopulation in the gnomAD database. The observed variant frequency within Non-Finnish European control individuals in the gnomAD database is approximately 104 fold of the estimated maximal expected allele frequency for a pathogenic variant in NRAS causing Noonan Syndrome and Related Conditions phenotype (2.5e-06), strongly suggesting that the variant is a benign polymorphism found primarily in populations of Non-Finnish European origin. To our knowledge, no occurrence of c.112-20dupC in individuals affected with Noonan Syndrome and Related Conditions and no experimental evidence demonstrating its impact on protein function have been reported. A ClinVar submission (evaluation after 2014) cites the variant as likely benign. Based on the evidence outlined above, the variant was classified as benign.

GeneDx
Classification: Likely benign. Last evaluated: 2018-04-04. Review status: criteria provided, single submitter. Criteria: GeneDx Variant Classification (06012015). Collection method: clinical testing. Allele origin: germline. Affected: yes.
Comment: This variant is considered likely benign or benign based on one or more of the following criteria: it is a conservative change, it occurs at a poorly conserved position in the protein, it is predicted to be benign by multiple in silico algorithms, and/or has population frequency not consistent with disease.

Literature cited by the submitters: PubMed 27121720 (cited by Women's Health and Genetics/Laboratory Corporation of America, LabCorp); PubMed 24806883 (cited by Women's Health and Genetics/Laboratory Corporation of America, LabCorp); PubMed 17671181 (cited by Women's Health and Genetics/Laboratory Corporation of America, LabCorp); PubMed 23325582 (cited by Women's Health and Genetics/Laboratory Corporation of America, LabCorp); PubMed 27069254 (cited by Women's Health and Genetics/Laboratory Corporation of America, LabCorp).